The following is an entry in ClinVar:

NM_000135.4(FANCA):c.3886G>T (p.Glu1296Ter)

Genes: FANCA (FA complementation group A; minus strand), ZNF276 (zinc finger protein 276; plus strand). Cytogenetic location: 16q24.3.
Variant type: single nucleotide variant.
Coding change: c.3886G>T on transcript NM_000135.4 (MANE Select); coding-DNA position 3886, G replaced by T.
Protein change: p.Glu1296Ter; replaces glutamic acid 1296 with a stop codon.
Molecular consequence: nonsense. On other transcripts: 3 prime UTR variant (2), non-coding transcript variant (4).
Genome position (GRCh38, 1-based): chr16:89,740,042, C>A on the plus strand (G>T on the coding strand, the complement: FANCA is on the minus strand). VCF-style: chr16-89740042-C-A. GRCh37 (hg19) VCF-style: chr16-89806450-C-A.
Other names: c.3886G>T, p.Glu1296Ter (NM_001286167.3); c.*1796C>A (NM_001113525.2, NM_152287.4); short protein forms E1296*.
Identifiers: ClinVar variation 5003526 (VCV005003526.1).

ClinVar aggregate classification (germline): Pathogenic (1 of 4 stars; one submission).

Conditions:
Fanconi anemia complementation group A (FANCA). Also called: Fanconi anemia, group A; FANCA-Related Fanconi Anemia. Identifiers: Orphanet 84, MedGen C3469521, MONDO:0009215, OMIM 227650.

Submission:

Myriad Genetics, Inc.
Classification: Pathogenic for Fanconi anemia complementation group A. Last evaluated: 2026-05-19. Review status: criteria provided, single submitter. Criteria: Myriad Autosomal Dominant, Autosomal Recessive and X-Linked Classification Criteria (2023). Collection method: clinical testing. Allele origin: unknown.
Comment: NM_000135.2(FANCA):c.3886G>T(E1296*) is a missense variant classified as pathogenic in the context of Fanconi anemia complementation group A. E1296* has not been observed in cases with relevant disease. Relevant functional assessments of this variant are not available in the literature. E1296* has not been observed in referenced population frequency databases. In summary, NM_000135.2(FANCA):c.3886G>T(E1296*) is a missense variant in a gene where loss of function is a known mechanism of disease and is predicted to disrupt protein function. Please note: this variant was assessed in the context of healthy population screening.